The following is an entry in ClinVar:

NM_001481.3(GAS8):c.200G>A (p.Arg67Gln)

Gene: GAS8 (growth arrest specific 8; plus strand). Cytogenetic location: 16q24.3.
Variant type: single nucleotide variant.
Coding change: c.200G>A on transcript NM_001481.3 (MANE Select); coding-DNA position 200, G replaced by A.
Protein change: p.Arg67Gln; replaces arginine 67 with glutamine.
Molecular consequence: missense variant. On other transcripts: 5 prime UTR variant (2).
Genome position (GRCh38, 1-based): chr16:90,031,408, G>A. VCF-style: chr16-90031408-G-A. GRCh37 (hg19) VCF-style: chr16-90097816-G-A.
Other names: p.Arg67Gln; c.-50G>A (NM_001286205.2); c.-322G>A (NM_001286208.2); c.125G>A, p.Arg42Gln (NM_001286209.2); short protein forms R42Q, R67Q.
Identifiers: ClinVar variation 3354224 (VCV003354224.2).

ClinVar aggregate classification (germline): Uncertain significance. Review status: criteria provided, single submitter (1 of 4 stars). 2 submissions from 2 submitters: Uncertain significance (1). 1 of the submissions does not count toward it. Last evaluated 2024-02-29.

Conditions:
GAS8-related disorder. Also called: GAS8-related condition.

gnomAD v4.1: 49 of 1,613,558 alleles (0.003%); highest among the groups gnomAD compares: East Asian, 0.011%; no homozygotes.

Submissions (2):

Mayo Clinic Laboratories, Mayo Clinic
Classification: Uncertain significance. Last evaluated: 2024-02-29. Review status: criteria provided, single submitter. Criteria: ACMG Guidelines, 2015. Collection method: clinical testing. Allele origin: germline. Observed: 1 variant allele.
Comment: BP4

PreventionGenetics, part of Exact Sciences
Classification: Uncertain significance for GAS8-related condition. Last evaluated: 2024-04-02. Review status: no assertion criteria provided. Collection method: clinical testing. Allele origin: germline. Not counted in ClinVar's aggregate classification.
Comment: The GAS8 c.200G>A variant is predicted to result in the amino acid substitution p.Arg67Gln. To our knowledge, this variant has not been reported in the literature. This variant is reported in 0.0053% of alleles in individuals of European (Non-Finnish) descent in gnomAD. At this time, the clinical significance of this variant is uncertain due to the absence of conclusive functional and genetic evidence.